The following is an entry in ClinVar:

ClinVar aggregate classification (germline): Uncertain significance. Review status: criteria provided, single submitter (1 of 4 stars). 2 submissions from 2 submitters: Uncertain significance (1). 1 of the submissions does not count toward it. Last evaluated 2025-12-24.

Conditions:
MPZ-related disorder. Also called: MPZ-related disorders; MPZ-related condition.
Charcot-Marie-Tooth disease. Also called: Charcot-Marie-Tooth Neuropathy; Charcot-Marie-Tooth Hereditary Neuropathy. Identifiers: Orphanet 166, MedGen C0007959, MONDO:0015626.

Submissions (2):

3billion
Classification: Uncertain significance for MPZ-related disorder. Last evaluated: 2025-12-24. Review status: criteria provided, single submitter. Criteria: ACMG Guidelines, 2015. Collection method: clinical testing. Allele origin: germline. Affected: yes.
Comment: The variant is not observed in the gnomAD v4.1.0 dataset. Predicted Consequence/Location: Missense variant In silico tool predictions suggest damaging effect of the variant on gene or gene product [ 3Cnet: 0.99 (> 0.75, sensitivity 0.96 and precision 0.92)]. The same nucleotide change resulting in the same amino acid change has been previously reported to be associated with MPZ-related disorder (PMID: 15241803). However, the evidence of pathogenicity is insufficient at this time. Therefore, this variant is classified as VUS according to the recommendation of ACMG/AMP guideline.

Inherited Neuropathy Consortium
Classification: Uncertain significance for Charcot-Marie-Tooth disease. Review status: no assertion criteria provided. Collection method: literature only. Allele origin: germline. Affected: yes. Not counted in ClinVar's aggregate classification.

Literature cited by the submitters: PubMed 15241803 (cited by 3billion and Inherited Neuropathy Consortium).

NM_000530.8(MPZ):c.706A>G (p.Lys236Glu)

Gene: MPZ (myelin protein zero; minus strand). Cytogenetic location: 1q23.3.
Variant type: single nucleotide variant.
Coding change: c.706A>G on transcript NM_000530.8 (MANE Select); coding-DNA position 706, A replaced by G.
Protein change: p.Lys236Glu; replaces lysine 236 with glutamic acid.
Molecular consequence: missense variant.
Genome position (GRCh38, 1-based): chr1:161,305,917, T>C on the plus strand (A>G on the coding strand, the complement: MPZ is on the minus strand). VCF-style: chr1-161305917-T-C. GRCh37 (hg19) VCF-style: chr1-161275707-T-C.
Other names: c.706A>G (LRG_256t1); c.706A>G, p.Lys236Glu (NM_001315491.2); short protein forms K236E.
Identifiers: ClinVar variation 637766 (VCV000637766.2), dbSNP rs1571817094, ClinGen allele CA343344064.